The following is an entry in ClinVar:

NM_006765.4(TUSC3):c.220C>T (p.Arg74Ter)

Gene: TUSC3 (tumor suppressor candidate 3; plus strand). Cytogenetic location: 8p22.
Variant type: single nucleotide variant.
Coding change: c.220C>T on transcript NM_006765.4 (MANE Select); coding-DNA position 220, C replaced by T.
Protein change: p.Arg74Ter; replaces arginine 74 with a stop codon.
Molecular consequence: nonsense.
Genome position (GRCh38, 1-based): chr8:15,623,161, C>T. VCF-style: chr8-15623161-C-T. GRCh37 (hg19) VCF-style: chr8-15480670-C-T.
Other names: c.220C>T, p.Arg74Ter (NM_001356429.2, NM_178234.2); c.220C>T (NM_006765.2); short protein forms R74*.
Identifiers: ClinVar variation 1325320 (VCV001325320.4), dbSNP rs1251881194, ClinGen allele CA370389818.

ClinVar aggregate classification (germline): Likely pathogenic. Review status: criteria provided, multiple submitters, no conflicts (2 of 4 stars). 2 submissions from 2 submitters: Likely pathogenic (2). Last evaluated 2023-10-15.

Conditions:
Intellectual developmental disorder, autosomal recessive 7. Also called: Intellectual disability, autosomal recessive 7. Identifiers: Orphanet 88616, MedGen C1970197, MONDO:0012615, OMIM 611093.

Allele frequency attached by ClinVar (database versions not stated): gnomAD 0.00001; gnomAD exomes 0.00001; TOPMed 0.00003.
gnomAD v4.1: 36 of 1,613,404 alleles (0.0022%); highest among the groups gnomAD compares: Non-Finnish European, 0.0029%; no homozygotes.

Submissions (2):

GeneDx
Classification: Likely pathogenic. Last evaluated: 2023-10-15. Review status: criteria provided, single submitter. Criteria: GeneDx Variant Classification Process June 2021. Collection method: clinical testing. Allele origin: germline. Affected: yes.
Comment: Nonsense variant predicted to result in protein truncation or nonsense mediated decay in a gene for which loss of function is a known mechanism of disease; Not observed at significant frequency in large population cohorts (gnomAD); Has not been previously published as pathogenic or benign to our knowledge

Women's Health and Genetics/Laboratory Corporation of America, LabCorp
Classification: Likely pathogenic for Intellectual developmental disorder, autosomal recessive 7. Last evaluated: 2022-06-02. Review status: criteria provided, single submitter. Criteria: LabCorp Variant Classification Summary - May 2015. Collection method: clinical testing. Allele origin: germline.
Comment: Variant summary: TUSC3 c.220C>T (p.Arg74X) results in a premature termination codon, predicted to cause a truncation of the encoded protein or absence of the protein due to nonsense mediated decay, which are commonly known mechanisms for disease. Truncations downstream of this position have been reported in HGMD in association with Intellectual disability. The variant allele was found at a frequency of 1.2e-05 in 251288 control chromosomes. To our knowledge, no occurrence of c.220C>T in individuals affected with Intellectual Disability, Autosomal Recessive 7 and no experimental evidence demonstrating its impact on protein function have been reported. One clinical diagnostic laboratory has submitted clinical-significance assessments for this variant to ClinVar after 2014 without evidence for independent evaluation. One laboratory classified the variant as likely pathogenic. Based on the evidence outlined above, the variant was classified as likely pathogenic.